The following is an entry in ClinVar:

NM_007294.4(BRCA1):c.1319T>C (p.Leu440Ser)

Gene: BRCA1 (BRCA1 DNA repair associated; minus strand). Cytogenetic location: 17q21.31.
Variant type: single nucleotide variant.
Coding change: c.1319T>C on transcript NM_007294.4 (MANE Select); coding-DNA position 1319, T replaced by C.
Protein change: p.Leu440Ser; replaces leucine 440 with serine.
Molecular consequence: missense variant. On other transcripts: intron variant (137).
Genome position (GRCh38, 1-based): chr17:43,094,212, A>G on the plus strand (T>C on the coding strand, the complement: BRCA1 is on the minus strand). VCF-style: chr17-43094212-A-G. GRCh37 (hg19) VCF-style: chr17-41246229-A-G.
Other names: c.787+532T>C (NM_001407982.1, NM_001407970.1, NM_001407980.1 and 19 more transcripts); c.1106T>C, p.Leu369Ser (NM_001407571.1, NM_001407853.1, NM_001407894.1 and 9 more transcripts); c.1319T>C, p.Leu440Ser (NM_001407581.1, NM_001407582.1, NM_001407583.1 and 30 more transcripts); c.1316T>C, p.Leu439Ser (NM_001407587.1, NM_001407590.1, NM_001407591.1 and 22 more transcripts); c.1310T>C, p.Leu437Ser (NM_001407646.1, NM_001407647.1); c.1196T>C, p.Leu399Ser (NM_001407648.1, NM_001407664.1, NM_001407665.1 and 19 more transcripts); c.1193T>C, p.Leu398Ser (NM_001407649.1, NM_001407670.1, NM_001407671.1 and 11 more transcripts); c.1241T>C, p.Leu414Ser (NM_001407653.1, NM_001407654.1, NM_001407655.1 and 4 more transcripts); and 40 more; short protein forms L440S, L393S, L272S, L328S, L329S, L351S, L352S, L398S.
Identifiers: ClinVar variation 54196 (VCV000054196.16), dbSNP rs273897656, ClinGen allele CA000860.

ClinVar aggregate classification (germline): Conflicting classifications of pathogenicity. Review status: criteria provided, conflicting classifications (1 of 4 stars). 4 submissions from 4 submitters: Uncertain significance (2); Likely benign (1). 1 of the submissions does not count toward it. Last evaluated 2025-12-26.

Conditions:
Hereditary cancer-predisposing syndrome. Also called: Tumor predisposition; Neoplastic Syndromes, Hereditary; Hereditary Cancer Syndrome; Hereditary neoplastic syndrome. Identifiers: Orphanet 140162, MedGen C0027672, MeSH D009386, MONDO:0015356.
Hereditary breast ovarian cancer syndrome. Also called: Hereditary breast and ovarian cancer syndrome (HBOC); Hereditary breast and ovarian cancer syndrome; Hereditary breast and ovarian cancer; Hereditary breast and/or ovarian cancer syndrome; Breast and ovarian cancer; BRCA1- and BRCA2-Associated Hereditary Breast and Ovarian Cancer. Identifiers: Orphanet 145, MedGen C0677776, MeSH D061325, MONDO:0003582. Disease mechanism: loss of function.
Breast-ovarian cancer, familial, susceptibility to, 1 (BROVCA1). Also called: OVARIAN CANCER, SUSCEPTIBILITY TO; BRCA1 Hereditary Breast and Ovarian Cancer. Identifiers: Orphanet 145, MedGen C2676676, MONDO:0011450, OMIM 604370. Disease mechanism: loss of function.

Submissions (4):

Labcorp Genetics (formerly Invitae), Labcorp
Classification: Uncertain significance for Hereditary breast ovarian cancer syndrome. Last evaluated: 2025-12-26. Review status: criteria provided, single submitter. Criteria: Invitae Variant Classification Sherloc (09022015). Collection method: clinical testing. Allele origin: germline.
Comment: This sequence change replaces leucine, which is neutral and non-polar, with serine, which is neutral and polar, at codon 440 of the BRCA1 protein (p.Leu440Ser). This variant is not present in population databases (gnomAD no frequency). This missense change has been observed in individual(s) with clinical features of BRCA1-related conditions (PMID: 10923033). ClinVar contains an entry for this variant (Variation ID: 54196). Invitae Evidence Modeling of protein sequence and biophysical properties (such as structural, functional, and spatial information, amino acid conservation, physicochemical variation, residue mobility, and thermodynamic stability) indicates that this missense variant is not expected to disrupt BRCA1 protein function with a negative predictive value of 80%. In summary, the available evidence is currently insufficient to determine the role of this variant in disease. Therefore, it has been classified as a Variant of Uncertain Significance.

Ambry Genetics
Classification: Uncertain significance for Hereditary cancer-predisposing syndrome. Last evaluated: 2025-04-03. Review status: criteria provided, single submitter. Criteria: Ambry Variant Classification Scheme 2023. Collection method: clinical testing. Allele origin: germline.
Comment: The p.L440S variant (also known as c.1319T>C), located in coding exon 9 of the BRCA1 gene, results from a T to C substitution at nucleotide position 1319. The leucine at codon 440 is replaced by serine, an amino acid with dissimilar properties. This amino acid position is not well conserved in available vertebrate species. In addition, the in silico prediction for this alteration is inconclusive. Based on the available evidence, the clinical significance of this variant remains unclear.

University of Washington Department of Laboratory Medicine, University of Washington
Classification: Likely benign for Hereditary cancer-predisposing syndrome. Last evaluated: 2023-03-23. Review status: criteria provided, single submitter. Criteria: Dines et al. (Genet Med. 2020). Collection method: curation. Allele origin: germline.
Comment: Missense variant in a coldspot region where missense variants are very unlikely to be pathogenic (PMID:31911673).

BRCA1 coldspot (exon 11 using historical exon numbering). Reclassification based on statistical prior probability

Breast Cancer Information Core (BIC) (BRCA1)
Classification: Uncertain significance for Breast-ovarian cancer, familial 1. Last evaluated: 2010-09-18. Review status: no assertion criteria provided. Collection method: clinical testing. Allele origin: germline. Affected: yes. Observed: 1 variant allele. Not counted in ClinVar's aggregate classification.

Literature cited by the submitters: PubMed 10923033 (cited by Labcorp Genetics (formerly Invitae), Labcorp).